The following is an entry in ClinVar:

ClinVar aggregate classification (germline): Uncertain significance (1 of 4 stars; one submission).

Conditions:
X-linked agammaglobulinemia with growth hormone deficiency (IGHD3). Also called: Isolated growth hormone deficiency type 3; Growth hormone deficiency with hypogammaglobulinemia; AGAMMAGLOBULINEMIA AND ISOLATED GROWTH HORMONE DEFICIENCY, X-LINKED; FLEISHER SYNDROME; HYPOGAMMAGLOBULINEMIA AND ISOLATED GROWTH HORMONE DEFICIENCY, X-LINKED; IGHD III. Identifiers: Orphanet 231692, Orphanet 631, MedGen C0472813, MONDO:0010615, OMIM 307200.

Submission:

Labcorp Genetics (formerly Invitae), Labcorp
Classification: Uncertain significance for X-linked agammaglobulinemia with growth hormone deficiency. Last evaluated: 2024-07-14. Review status: criteria provided, single submitter. Criteria: Invitae Variant Classification Sherloc (09022015). Collection method: clinical testing. Allele origin: germline.
Comment: This sequence change replaces leucine, which is neutral and non-polar, with proline, which is neutral and non-polar, at codon 294 of the BTK protein (p.Leu294Pro). This variant is not present in population databases (gnomAD no frequency). This missense change has been observed in individual(s) with X-linked agammaglobulinemia (PMID: 19419768). Advanced modeling of protein sequence and biophysical properties (such as structural, functional, and spatial information, amino acid conservation, physicochemical variation, residue mobility, and thermodynamic stability) performed at Invitae indicates that this missense variant is expected to disrupt BTK protein function with a positive predictive value of 80%. In summary, the available evidence is currently insufficient to determine the role of this variant in disease. Therefore, it has been classified as a Variant of Uncertain Significance.

Literature cited by the submitters: PubMed 19419768.

NM_000061.3(BTK):c.881T>C (p.Leu294Pro)

Gene: BTK (Bruton tyrosine kinase; minus strand). Cytogenetic location: Xq22.1.
Variant type: single nucleotide variant.
Coding change: c.881T>C on transcript NM_000061.3 (MANE Select); coding-DNA position 881, T replaced by C.
Protein change: p.Leu294Pro; replaces leucine 294 with proline.
Molecular consequence: missense variant.
Genome position (GRCh38, 1-based): chrX:101,359,306, A>G on the plus strand (T>C on the coding strand, the complement: BTK is on the minus strand). VCF-style: chrX-101359306-A-G. GRCh37 (hg19) VCF-style: chrX-100614294-A-G.
Other names: c.983T>C, p.Leu328Pro (NM_001287344.2); c.881T>C, p.Leu294Pro (NM_001287345.2); short protein forms L294P, L328P.
Identifiers: ClinVar variation 3724309 (VCV003724309.2).